The following is an entry in ClinVar:

NM_002069.6(GNAI1):c.77A>C (p.Asp26Ala)

Gene: GNAI1 (G protein subunit alpha i1; plus strand). Cytogenetic location: 7q21.11.
Variant type: single nucleotide variant.
Coding change: c.77A>C on transcript NM_002069.6 (MANE Select); coding-DNA position 77, A replaced by C.
Protein change: p.Asp26Ala; replaces aspartic acid 26 with alanine.
Molecular consequence: missense variant.
Genome position (GRCh38, 1-based): chr7:80,135,237, A>C. VCF-style: chr7-80135237-A-C. GRCh37 (hg19) VCF-style: chr7-79764553-A-C.
Other names: short protein forms D26A.
Identifiers: ClinVar variation 4082920 (VCV004082920.1).

ClinVar aggregate classification (germline): Uncertain significance (1 of 4 stars; one submission).

gnomAD v4.1: 1 of 1,541,874 alleles (0.000065%); highest among the groups gnomAD compares: African/African-American, 0.0014%; no homozygotes.

Submission:

GeneDx
Classification: Uncertain significance. Last evaluated: 2025-03-05. Review status: criteria provided, single submitter. Criteria: GeneDx Variant Classification Process June 2021. Collection method: clinical testing. Allele origin: germline. Affected: yes.
Comment: Not observed at significant frequency in large population cohorts (gnomAD); In silico analysis supports that this missense variant has a deleterious effect on protein structure/function; Has not been previously published as pathogenic or benign to our knowledge